The following is an entry in ClinVar:

ClinVar aggregate classification (germline): Likely pathogenic. Review status: criteria provided, multiple submitters, no conflicts (2 of 4 stars). 3 submissions from 3 submitters: Likely pathogenic (2). 1 of the submissions does not count toward it. Last evaluated 2025-05-05.

Conditions:
Curry-Hall syndrome (WAD). Also called: WEYERS ACRODENTAL DYSOSTOSIS. Identifiers: Orphanet 952, MedGen C0457013, MONDO:0008673, OMIM 193530.
Ellis-van Creveld syndrome (EVC). Also called: EVC2-Related Ellis-van Creveld Syndrome; EVC-Related Ellis-van Creveld Syndrome; MESOECTODERMAL DYSPLASIA; Chondroectodermal dysplasia. Identifiers: Orphanet 289, MedGen C0013903, MONDO:0009162, OMIM 225500.

Allele frequency attached by ClinVar (database versions not stated): gnomAD exomes below 0.00001 and 0.00002; TOPMed 0.00001.
gnomAD v4.1: 24 of 1,614,070 alleles (0.0015%); highest among the groups gnomAD compares: Non-Finnish European, 0.002%; no homozygotes.

Submissions (3):

Natera, Inc.
Classification: Likely pathogenic for Ellis-van Creveld syndrome. Last evaluated: 2025-05-05. Review status: criteria provided, single submitter. Criteria: Natera Variant Classification Schema (03/2026). Collection method: clinical testing. Allele origin: germline.
Comment: The c.301-1G>A variant in EVC is a canonical splice acceptor site variant predicted to affect pre-mRNA splicing, which may result in an abnormal transcript and altered protein product. This variant is expected to result in nonsense mediated decay, truncation, or a dysfunctional protein product. This variant is rare in the general population with a frequency below the threshold expected for the associated phenotype(s). Given the available evidence, this variant is classified as Likely Pathogenic.

Labcorp Genetics (formerly Invitae), Labcorp
Classification: Likely pathogenic for Curry-Hall syndrome; Ellis-van Creveld syndrome. Last evaluated: 2023-05-11. Review status: criteria provided, single submitter. Criteria: Invitae Variant Classification Sherloc (09022015). Collection method: clinical testing. Allele origin: germline.
Comment: This variant has not been reported in the literature in individuals affected with EVC-related conditions. In summary, the currently available evidence indicates that the variant is pathogenic, but additional data are needed to prove that conclusively. Therefore, this variant has been classified as Likely Pathogenic. Algorithms developed to predict the effect of sequence changes on RNA splicing suggest that this variant may disrupt the consensus splice site. ClinVar contains an entry for this variant (Variation ID: 556523). This variant is present in population databases (no rsID available, gnomAD 0.0009%). This sequence change affects an acceptor splice site in intron 2 of the EVC gene. It is expected to disrupt RNA splicing. Variants that disrupt the donor or acceptor splice site typically lead to a loss of protein function (PMID: 16199547), and loss-of-function variants in EVC are known to be pathogenic (PMID: 23220543).

Counsyl
Classification: Likely pathogenic for Ellis-van Creveld syndrome. Last evaluated: 2018-02-16. Review status: no assertion criteria provided. Collection method: clinical testing. Allele origin: unknown. Not counted in ClinVar's aggregate classification.

Literature cited by the submitters: PubMed 16199547 (cited by Labcorp Genetics (formerly Invitae), Labcorp); PubMed 23220543 (cited by Labcorp Genetics (formerly Invitae), Labcorp).

NM_153717.3(EVC):c.301-1G>A

Gene: EVC (EvC ciliary complex subunit 1; plus strand). Cytogenetic location: 4p16.2.
Variant type: single nucleotide variant.
Coding change: c.301-1G>A on transcript NM_153717.3 (MANE Select); the canonical splice acceptor site of the intron before coding-DNA position 301, G replaced by A.
Molecular consequence: splice acceptor variant.
Genome position (GRCh38, 1-based): chr4:5,729,306, G>A. VCF-style: chr4-5729306-G-A. GRCh37 (hg19) VCF-style: chr4-5731033-G-A.
Other names: c.301-1G>A (NM_001306090.2, NM_001306092.2).
Identifiers: ClinVar variation 556523 (VCV000556523.7), dbSNP rs1363547577, ClinGen allele CA356141814.